The following is an entry in ClinVar:

ClinVar aggregate classification (germline): Uncertain significance (1 of 4 stars; one submission).

Allele frequency attached by ClinVar (database versions not stated): TOPMed 0.00002; gnomAD exomes 0.00004.
gnomAD v4.1: 41 of 1,142,518 alleles (0.0036%); highest among the groups gnomAD compares: Non-Finnish European, 0.0041%; no homozygotes.

Submission:

Women's Health and Genetics/Laboratory Corporation of America, LabCorp
Classification: Uncertain significance. Last evaluated: 2024-01-22. Review status: criteria provided, single submitter. Criteria: LabCorp Variant Classification Summary - May 2015. Collection method: clinical testing. Allele origin: germline.
Comment: Variant summary: PIP5K1C c.-1C>G is located in the untranslated mRNA region upstream of the initiation codon. The variant was absent in 27026 control chromosomes. The available data on variant occurrences in the general population are insufficient to allow any conclusion about variant significance. To our knowledge, no occurrence of c.-1C>G in individuals affected with Lethal congenital contracture syndrome 3 and no experimental evidence demonstrating its impact on protein function have been reported. No submitters have cited clinical-significance assessments for this variant to ClinVar. Based on the evidence outlined above, the variant was classified as uncertain significance.

NM_012398.3(PIP5K1C):c.-1C>G

Gene: PIP5K1C (phosphatidylinositol-4-phosphate 5-kinase type 1 gamma; minus strand). Cytogenetic location: 19p13.3.
Variant type: single nucleotide variant.
Coding change: c.-1C>G on transcript NM_012398.3 (MANE Select); 1 bases upstream of the start codon, C replaced by G.
Molecular consequence: 5 prime UTR variant.
Genome position (GRCh38, 1-based): chr19:3,700,391, G>C on the plus strand (C>G on the coding strand, the complement: PIP5K1C is on the minus strand). VCF-style: chr19-3700391-G-C. GRCh37 (hg19) VCF-style: chr19-3700389-G-C.
Other names: c.-1C>G (NM_001195733.2, NM_001300849.2).
Identifiers: ClinVar variation 3063626 (VCV003063626.1), dbSNP rs902885377, ClinGen allele CA304387386.